The following is an entry in ClinVar:

ClinVar aggregate classification (germline): Likely benign. Review status: criteria provided, multiple submitters, no conflicts (2 of 4 stars). 2 submissions from 2 submitters: Likely benign (2). Last evaluated 2025-04-30.

Conditions:
Charcot-Marie-Tooth disease type 2. Also called: Charcot-Marie-Tooth type 2. Identifiers: Orphanet 64746, MedGen C0270914, MONDO:0018993.

Allele frequency attached by ClinVar (database versions not stated): TOPMed below 0.00001.
gnomAD v4.1: 12 of 1,614,164 alleles (0.00074%); highest among the groups gnomAD compares: Non-Finnish European, 0.001%; no homozygotes.

Submissions (2):

Women's Health and Genetics/Laboratory Corporation of America, LabCorp
Classification: Likely benign. Last evaluated: 2025-04-30. Review status: criteria provided, single submitter. Criteria: LabCorp Variant Classification Summary - May 2015. Collection method: clinical testing. Allele origin: germline.
Comment: Variant summary: AARS1 c.672-5T>A alters a nucleotide located at a position not widely known to affect splicing. Consensus agreement among computation tools predict no significant impact on normal splicing. However, these predictions have yet to be confirmed by functional studies. The variant allele was found at a frequency of 7.4e-06 in 1614164 control chromosomes. This frequency is not significantly higher than estimated for a pathogenic variant in AARS1 causing Developmental and epileptic encephalopathy, 29, allowing no conclusion about variant significance. To our knowledge, no occurrence of c.672-5T>A in individuals affected with Developmental and epileptic encephalopathy, 29 and no experimental evidence demonstrating its impact on protein function have been reported. ClinVar contains an entry for this variant (Variation ID: 2766225). Based on the evidence outlined above, the variant was classified as likely benign.

Labcorp Genetics (formerly Invitae), Labcorp
Classification: Likely benign for Charcot-Marie-Tooth disease type 2. Last evaluated: 2024-09-23. Review status: criteria provided, single submitter. Criteria: Invitae Variant Classification Sherloc (09022015). Collection method: clinical testing. Allele origin: germline.

NM_001605.3(AARS1):c.672-5T>A

Gene: AARS1 (alanyl-tRNA synthetase 1; minus strand). Cytogenetic location: 16q22.1.
Variant type: single nucleotide variant.
Coding change: c.672-5T>A on transcript NM_001605.3 (MANE Select); 5 bases into the intron before coding-DNA position 672, T replaced by A.
Molecular consequence: intron variant.
Genome position (GRCh38, 1-based): chr16:70,270,345, A>T on the plus strand (T>A on the coding strand, the complement: AARS1 is on the minus strand). VCF-style: chr16-70270345-A-T. GRCh37 (hg19) VCF-style: chr16-70304248-A-T.
Identifiers: ClinVar variation 2766225 (VCV002766225.6), dbSNP rs777431545, ClinGen allele CA623205100.